The following is an entry in ClinVar:

NM_004995.4(MMP14):c.1287C>T (p.Phe429=)

Gene: MMP14 (matrix metallopeptidase 14; plus strand). Cytogenetic location: 14q11.2.
Variant type: single nucleotide variant.
Coding change: c.1287C>T on transcript NM_004995.4 (MANE Select); coding-DNA position 1287, C replaced by T.
Protein change: p.Phe429=; no amino-acid change (phenylalanine 429 retained).
Molecular consequence: synonymous variant.
Genome position (GRCh38, 1-based): chr14:22,844,766, C>T. VCF-style: chr14-22844766-C-T. GRCh37 (hg19) VCF-style: chr14-23313975-C-T.
Identifiers: ClinVar variation 778734 (VCV000778734.14), dbSNP rs17879806, ClinGen allele CA7105420.
Genomic context (GRCh38, chr14:22,844,766, plus strand): 5'-GCTGCCTACCGACAAGATTGATGCTGCTCTCTTCTGGATGCCCAATGGAAAGACCTACTT[C>T]TTCCGTGGAAACAAGTAAGACCTCAACCCCTTAACCCCAGGCCTCCCTCAGAAACCACCA-3'
Protein context (NP_004986.1, residues 419-439): LFWMPNGKTY[Phe429=]FRGNKYYRFN

ClinVar aggregate classification (germline): Benign. Review status: criteria provided, multiple submitters, no conflicts (2 of 4 stars). 4 submissions from 4 submitters: Benign (3). 1 of the submissions does not count toward it. Last evaluated 2026-01-31.

Conditions:
MMP14-related disorder. Also called: MMP14-related condition.

Allele frequency attached by ClinVar (database versions not stated): gnomAD exomes 0.00619; ExAC 0.00763; gnomAD 0.02380 and 0.02547; ESP Exome Variant Server 0.02683; TOPMed 0.02734; 1000 Genomes Project 0.02835; 1000 Genomes Project 30x 0.03014.
gnomAD v4.1: 7,160 of 1,614,046 alleles (0.44%); highest among the groups gnomAD compares: African/African-American, 8.1%; 276 homozygotes.

Submissions (4):

Labcorp Genetics (formerly Invitae), Labcorp
Classification: Benign. Last evaluated: 2026-01-31. Review status: criteria provided, single submitter. Criteria: Invitae Variant Classification Sherloc (09022015). Collection method: clinical testing. Allele origin: germline.

GeneDx
Classification: Benign. Last evaluated: 2021-05-05. Review status: criteria provided, single submitter. Criteria: GeneDx Variant Classification Process June 2021. Collection method: clinical testing. Allele origin: germline. Affected: yes.

Breakthrough Genomics
Classification: Benign. Review status: criteria provided, single submitter. Criteria: ACMG Guidelines, 2015. Collection method: not provided. Allele origin: germline. Inheritance: Unknown mechanism. Affected: yes.

PreventionGenetics, part of Exact Sciences
Classification: Benign for MMP14-related condition. Last evaluated: 2020-01-02. Review status: no assertion criteria provided. Collection method: clinical testing. Allele origin: germline. Not counted in ClinVar's aggregate classification.
Comment: This variant is classified as benign based on ACMG/AMP sequence variant interpretation guidelines (Richards et al. 2015 PMID: 25741868, with internal and published modifications).